The following is an entry in ClinVar:

ClinVar aggregate classification (germline): Uncertain significance. Review status: criteria provided, multiple submitters, no conflicts (2 of 4 stars). 2 submissions from 2 submitters: Uncertain significance (2). Last evaluated 2025-06-09.

Conditions:
Inborn genetic diseases. Identifiers: MedGen C0950123, MeSH D030342.

Allele frequency attached by ClinVar (database versions not stated): gnomAD exomes below 0.00001; TOPMed below 0.00001.
gnomAD v4.1: 3 of 1,612,972 alleles (0.00019%); highest among the groups gnomAD compares: Non-Finnish European, 0.00025%; no homozygotes.

Submissions (2):

Ambry Genetics
Classification: Uncertain significance for Inborn genetic diseases. Last evaluated: 2025-06-09. Review status: criteria provided, single submitter. Criteria: Ambry Variant Classification Scheme 2023. Collection method: clinical testing. Allele origin: germline.

Labcorp Genetics (formerly Invitae), Labcorp
Classification: Uncertain significance. Last evaluated: 2022-10-05. Review status: criteria provided, single submitter. Criteria: Invitae Variant Classification Sherloc (09022015). Collection method: clinical testing. Allele origin: germline.
Comment: In summary, the available evidence is currently insufficient to determine the role of this variant in disease. Therefore, it has been classified as a Variant of Uncertain Significance. Algorithms developed to predict the effect of missense changes on protein structure and function are either unavailable or do not agree on the potential impact of this missense change (SIFT: "Deleterious"; PolyPhen-2: "Possibly Damaging"; Align-GVGD: "Class C0"). This variant has not been reported in the literature in individuals affected with ADAMTS10-related conditions. This variant is not present in population databases (gnomAD no frequency). This sequence change replaces glutamic acid, which is acidic and polar, with lysine, which is basic and polar, at codon 393 of the ADAMTS10 protein (p.Glu393Lys).

NM_030957.4(ADAMTS10):c.1177G>A (p.Glu393Lys)

Gene: ADAMTS10 (ADAM metallopeptidase with thrombospondin type 1 motif 10; minus strand). Cytogenetic location: 19p13.2.
Variant type: single nucleotide variant.
Coding change: c.1177G>A on transcript NM_030957.4 (MANE Select); coding-DNA position 1177, G replaced by A.
Protein change: p.Glu393Lys; replaces glutamic acid 393 with lysine.
Molecular consequence: missense variant.
Genome position (GRCh38, 1-based): chr19:8,596,320, C>T on the plus strand (G>A on the coding strand, the complement: ADAMTS10 is on the minus strand). VCF-style: chr19-8596320-C-T. GRCh37 (hg19) VCF-style: chr19-8661204-C-T.
Other names: c.1177G>A (NM_030957.2); short protein forms E393K.
Identifiers: ClinVar variation 1945551 (VCV001945551.6), dbSNP rs1555740188, ClinGen allele CA403755553.